The following is an entry in ClinVar:

ClinVar aggregate classification (germline): Conflicting classifications of pathogenicity. Review status: criteria provided, conflicting classifications (1 of 4 stars). 2 submissions from 2 submitters: Uncertain significance (1); Likely benign (1). Last evaluated 2025-01-13.

Conditions:
Cardiovascular phenotype. Identifiers: MedGen CN230736.

Submissions (2):

Ambry Genetics
Classification: Uncertain significance for Cardiovascular phenotype. Last evaluated: 2025-01-13. Review status: criteria provided, single submitter. Criteria: Ambry Variant Classification Scheme 2023. Collection method: clinical testing. Allele origin: germline.
Comment: The p.V405G variant (also known as c.1214T>G), located in coding exon 2 of the RBM20 gene, results from a T to G substitution at nucleotide position 1214. The valine at codon 405 is replaced by glycine, an amino acid with dissimilar properties. This amino acid position is conserved. In addition, the in silico prediction for this alteration is inconclusive. Based on the available evidence, the clinical significance of this variant remains unclear.

Blueprint Genetics
Classification: Likely benign. Last evaluated: 2023-12-05. Review status: criteria provided, single submitter. Criteria: ACMG Guidelines, 2015. Collection method: clinical testing. Allele origin: germline.

NM_001134363.3(RBM20):c.1214T>G (p.Val405Gly)

Gene: RBM20 (RNA binding motif protein 20; plus strand). Cytogenetic location: 10q25.2.
Variant type: single nucleotide variant.
Coding change: c.1214T>G on transcript NM_001134363.3 (MANE Select); coding-DNA position 1214, T replaced by G.
Protein change: p.Val405Gly; replaces valine 405 with glycine.
Molecular consequence: missense variant.
Genome position (GRCh38, 1-based): chr10:110,781,823, T>G. VCF-style: chr10-110781823-T-G. GRCh37 (hg19) VCF-style: chr10-112541581-T-G.
Other names: short protein forms V405G.
Identifiers: ClinVar variation 2304098 (VCV002304098.4), dbSNP rs754795874, ClinGen allele CA378386005.
Genomic context (GRCh38, chr10:110,781,823, plus strand): 5'-ACCAGGCGTTGCTATCTGTGCGGCCCCTGCAGGCTCATGAGCTGAACGACTTTCACGGTG[T>G]GGCCCCCCTCCACTTGCCGCATATCTGTAGCATCTGTGACAAGAAGGTGTTTGATTTGAA-3'
Protein context (NP_001127835.2, residues 395-415): QAHELNDFHG[Val405Gly]APLHLPHICS